The following is an entry in ClinVar:

NM_001283009.2(RTEL1):c.2883G>T (p.Lys961Asn)

Genes: RTEL1-TNFRSF6B (RTEL1-TNFRSF6B readthrough (NMD candidate); plus strand), RTEL1 (regulator of telomere elongation helicase 1; plus strand). Cytogenetic location: 20q13.33.
Variant type: single nucleotide variant.
Coding change: c.2883G>T on transcript NM_001283009.2 (MANE Select); coding-DNA position 2883, G replaced by T.
Protein change: p.Lys961Asn; replaces lysine 961 with asparagine.
Molecular consequence: missense variant. On other transcripts: non-coding transcript variant (1).
Genome position (GRCh38, 1-based): chr20:63,693,174, G>T. VCF-style: chr20-63693174-G-T. GRCh37 (hg19) VCF-style: chr20-62324527-G-T.
Other names: c.2214G>T, p.Lys738Asn (NM_001283010.1); c.2883G>T, p.Lys961Asn (NM_016434.4); c.2955G>T, p.Lys985Asn (NM_032957.5); c.2955G>T (NM_032957.4); short protein forms K738N, K961N, K985N.
Identifiers: ClinVar variation 3365289 (VCV003365289.2).

ClinVar aggregate classification (germline): Uncertain significance (1 of 4 stars; one submission).

Conditions:
Pulmonary fibrosis and/or bone marrow failure, Telomere-related, 3. Also called: PULMONARY FIBROSIS AND/OR BONE MARROW FAILURE SYNDROME, TELOMERE-RELATED, 3. Identifiers: Orphanet 2032, MedGen C4225346, MONDO:0014613, OMIM 616373.

Submission:

GeneDx
Classification: Uncertain significance. Last evaluated: 2023-12-09. Review status: criteria provided, single submitter. Criteria: GeneDx Variant Classification Process June 2021. Collection method: clinical testing. Allele origin: germline. Affected: yes.
Comment: Not observed at significant frequency in large population cohorts (gnomAD); In silico analysis supports that this missense variant has a deleterious effect on protein structure/function; Has not been previously published as pathogenic or benign to our knowledge.